The following is an entry in ClinVar:

NM_001267550.2(TTN):c.65142C>G (p.Val21714=)

Genes: TTN (titin; minus strand), TTN-AS1 (TTN antisense RNA 1; plus strand). Cytogenetic location: 2q31.2.
Variant type: single nucleotide variant.
Coding change: c.65142C>G on transcript NM_001267550.2 (MANE Select); coding-DNA position 65142, C replaced by G.
Protein change: p.Val21714=; no amino-acid change (valine 21714 retained).
Molecular consequence: synonymous variant.
Genome position (GRCh38, 1-based): chr2:178,584,409, G>C on the plus strand (C>G on the coding strand, the complement: TTN is on the minus strand). VCF-style: chr2-178584409-G-C. GRCh37 (hg19) VCF-style: chr2-179449136-G-C.
Other names: c.60219C>G, p.Val20073= (NM_001256850.1); c.37947C>G, p.Val12649= (NM_003319.4); c.57438C>G, p.Val19146= (NM_133378.4); c.38322C>G, p.Val12774= (NM_133432.3); c.38523C>G, p.Val12841= (NM_133437.4).
Identifiers: ClinVar variation 684794 (VCV000684794.12), dbSNP rs1575973571, ClinGen allele CA430091423.

ClinVar aggregate classification (germline): Likely benign. Review status: criteria provided, multiple submitters, no conflicts (2 of 4 stars). 3 submissions from 3 submitters: Likely benign (2). 1 of the submissions does not count toward it. Last evaluated 2019-12-27.

Conditions:
TTN-related disorder. Also called: TTN-related disorders; TTN-related condition; TTN-related disease.
Dilated cardiomyopathy 1G (CMD1G). Identifiers: Orphanet 154, MedGen C1858763, MONDO:0011400, OMIM 604145.
Autosomal recessive limb-girdle muscular dystrophy type 2J (LGMDR10). Also called: MUSCULAR DYSTROPHY, LIMB-GIRDLE, AUTOSOMAL RECESSIVE 10; Limb-girdle muscular dystrophy, type 2J. Identifiers: Orphanet 140922, MedGen C1837342, MONDO:0012127, OMIM 608807.

Allele frequency attached by ClinVar (database versions not stated): gnomAD exomes 0.00001.
gnomAD v4.1: 11 of 1,613,318 alleles (0.00068%); highest among the groups gnomAD compares: Non-Finnish European, 0.00085%; no homozygotes.

Submissions (3):

Labcorp Genetics (formerly Invitae), Labcorp
Classification: Likely benign for Dilated cardiomyopathy 1G; Autosomal recessive limb-girdle muscular dystrophy type 2J. Last evaluated: 2019-12-27. Review status: criteria provided, single submitter. Criteria: Invitae Variant Classification Sherloc (09022015). Collection method: clinical testing. Allele origin: germline.

Molecular Diagnostic Laboratory for Inherited Cardiovascular Disease, Montreal Heart Institute
Classification: Likely benign. Review status: criteria provided, single submitter. Criteria: ACMG Guidelines, 2015. Collection method: clinical testing. Allele origin: germline. Affected: yes.

PreventionGenetics, part of Exact Sciences
Classification: Likely benign for TTN-related condition. Last evaluated: 2022-09-30. Review status: no assertion criteria provided. Collection method: clinical testing. Allele origin: germline. Not counted in ClinVar's aggregate classification.
Comment: This variant is classified as likely benign based on ACMG/AMP sequence variant interpretation guidelines (Richards et al. 2015 PMID: 25741868, with internal and published modifications).